The following is an entry in ClinVar:

NM_005245.4(FAT1):c.13131T>C (p.Asp4377=)

Gene: FAT1 (FAT atypical cadherin 1; minus strand). Cytogenetic location: 4q35.2.
Variant type: single nucleotide variant.
Coding change: c.13131T>C on transcript NM_005245.4 (MANE Select); coding-DNA position 13131, T replaced by C.
Protein change: p.Asp4377=; no amino-acid change (aspartic acid 4377 retained).
Molecular consequence: synonymous variant.
Genome position (GRCh38, 1-based): chr4:186,595,696, A>G on the plus strand (T>C on the coding strand, the complement: FAT1 is on the minus strand). VCF-style: chr4-186595696-A-G. GRCh37 (hg19) VCF-style: chr4-187516850-A-G.
Identifiers: ClinVar variation 3054011 (VCV003054011.3), dbSNP rs745683952, ClinGen allele CA3164656.

ClinVar aggregate classification (germline): Likely benign. Review status: criteria provided, single submitter (1 of 4 stars). 2 submissions from 2 submitters: Likely benign (1). 1 of the submissions does not count toward it. Last evaluated 2025-03-13.

Conditions:
FAT1-related disorder. Also called: FAT1-related condition.

Allele frequency attached by ClinVar (database versions not stated): gnomAD exomes 0.00001; gnomAD 0.00002; TOPMed 0.00005.
gnomAD v4.1: 21 of 1,613,858 alleles (0.0013%); highest among the groups gnomAD compares: Admixed American, 0.018%; no homozygotes.

Submissions (2):

Labcorp Genetics (formerly Invitae), Labcorp
Classification: Likely benign. Last evaluated: 2025-03-13. Review status: criteria provided, single submitter. Criteria: Invitae Variant Classification Sherloc (09022015). Collection method: clinical testing. Allele origin: germline.

PreventionGenetics, part of Exact Sciences
Classification: Likely benign for FAT1-related condition. Last evaluated: 2021-08-16. Review status: no assertion criteria provided. Collection method: clinical testing. Allele origin: germline. Not counted in ClinVar's aggregate classification.
Comment: This variant is classified as likely benign based on ACMG/AMP sequence variant interpretation guidelines (Richards et al. 2015 PMID: 25741868, with internal and published modifications).